The following is an entry in ClinVar:

NM_001377.3(DYNC2H1):c.4900A>G (p.Met1634Val)

Gene: DYNC2H1 (dynein cytoplasmic 2 heavy chain 1; plus strand). Cytogenetic location: 11q22.3.
Variant type: single nucleotide variant.
Coding change: c.4900A>G on transcript NM_001377.3 (MANE Select); coding-DNA position 4900, A replaced by G.
Protein change: p.Met1634Val; replaces methionine 1634 with valine.
Molecular consequence: missense variant.
Genome position (GRCh38, 1-based): chr11:103,168,892, A>G. VCF-style: chr11-103168892-A-G. GRCh37 (hg19) VCF-style: chr11-103039621-A-G.
Other names: c.4900A>G, p.Met1634Val (NM_001080463.2); short protein forms M1634V.
Identifiers: ClinVar variation 878043 (VCV000878043.9), dbSNP rs753296481, ClinGen allele CA6253649.

ClinVar aggregate classification (germline): Uncertain significance. Review status: criteria provided, multiple submitters, no conflicts (2 of 4 stars). 5 submissions from 5 submitters: Uncertain significance (5). Last evaluated 2025-03-30.

Conditions:
Asphyxiating thoracic dystrophy 3. Also called: SHORT-RIB THORACIC DYSPLASIA 3 WITH OR WITHOUT POLYDACTYLY; POLYDACTYLY WITH NEONATAL CHONDRODYSTROPHY, TYPE I; SHORT-RIB THORACIC DYSPLASIA 3/6 WITH POLYDACTYLY, DIGENIC; Short rib polydactyly syndrome 2B; Saldino-Noonan Syndrome. Identifiers: Orphanet 474, Orphanet 93269, Orphanet 93270, Orphanet 93271, MedGen C0036069, MONDO:0013127, OMIM 613091.
Inborn genetic diseases. Identifiers: MedGen C0950123, MeSH D030342.
Jeune thoracic dystrophy. Also called: Jeune syndrome; Infantile thoracic dystrophy; Thoracic pelvic phalangeal dystrophy; Jeune's syndrome; Chondroectodermal dysplasia-like syndrome; Short-rib thoracic dysplasia. Identifiers: Orphanet 474, MedGen C0265275, MONDO:0018770.

Allele frequency attached by ClinVar (database versions not stated): ExAC 0.00003; gnomAD exomes 0.00003 and 0.00005; gnomAD 0.00004; TOPMed 0.00004.

Submissions (5):

Ambry Genetics
Classification: Uncertain significance for Inborn genetic diseases. Last evaluated: 2025-03-30. Review status: criteria provided, single submitter. Criteria: Ambry Variant Classification Scheme 2023. Collection method: clinical testing. Allele origin: germline.

Blueprint Genetics
Classification: Uncertain significance. Last evaluated: 2024-11-07. Review status: criteria provided, single submitter. Criteria: ACMG Guidelines, 2015. Collection method: clinical testing. Allele origin: germline.

GeneDx
Classification: Uncertain significance. Last evaluated: 2023-12-05. Review status: criteria provided, single submitter. Criteria: GeneDx Variant Classification Process June 2021. Collection method: clinical testing. Allele origin: germline. Affected: yes.
Comment: Not observed at a significant frequency in large population cohorts (gnomAD); In silico analysis, which includes protein predictors and evolutionary conservation, supports that this variant does not alter protein structure/function; Has not been previously published as pathogenic or benign to our knowledge

Labcorp Genetics (formerly Invitae), Labcorp
Classification: Uncertain significance for Jeune thoracic dystrophy. Last evaluated: 2022-03-12. Review status: criteria provided, single submitter. Criteria: Invitae Variant Classification Sherloc (09022015). Collection method: clinical testing. Allele origin: germline.
Comment: This sequence change replaces methionine, which is neutral and non-polar, with valine, which is neutral and non-polar, at codon 1634 of the DYNC2H1 protein (p.Met1634Val). This variant is present in population databases (rs753296481, gnomAD 0.006%). This variant has not been reported in the literature in individuals affected with DYNC2H1-related conditions. ClinVar contains an entry for this variant (Variation ID: 878043). Advanced modeling of protein sequence and biophysical properties (such as structural, functional, and spatial information, amino acid conservation, physicochemical variation, residue mobility, and thermodynamic stability) performed at Invitae indicates that this missense variant is not expected to disrupt DYNC2H1 protein function. In summary, the available evidence is currently insufficient to determine the role of this variant in disease. Therefore, it has been classified as a Variant of Uncertain Significance.

Illumina Laboratory Services, Illumina
Classification: Uncertain significance for Asphyxiating thoracic dystrophy 3. Last evaluated: 2018-01-13. Review status: criteria provided, single submitter. Criteria: ICSL Variant Classification Criteria 13 December 2019. Collection method: clinical testing. Allele origin: germline.